The following is an entry in ClinVar:

NM_015102.5(NPHP4):c.3810G>A (p.Glu1270=)

Gene: NPHP4 (nephrocystin 4; minus strand). Cytogenetic location: 1p36.31.
Variant type: single nucleotide variant.
Coding change: c.3810G>A on transcript NM_015102.5 (MANE Select); coding-DNA position 3810, G replaced by A.
Protein change: p.Glu1270=; no amino-acid change (glutamic acid 1270 retained).
Molecular consequence: synonymous variant. On other transcripts: non-coding transcript variant (1).
Genome position (GRCh38, 1-based): chr1:5,865,108, C>T on the plus strand (G>A on the coding strand, the complement: NPHP4 is on the minus strand). VCF-style: chr1-5865108-C-T. GRCh37 (hg19) VCF-style: chr1-5925168-C-T.
Other names: c.3810G>A (NM_015102.4); c.2271G>A, p.Glu757= (NM_001291593.2); c.2274G>A, p.Glu758= (NM_001291594.2).
Identifiers: ClinVar variation 2776583 (VCV002776583.4), dbSNP rs1344500018, ClinGen allele CA415787395.

ClinVar aggregate classification (germline): Likely benign. Review status: criteria provided, multiple submitters, no conflicts (2 of 4 stars). 2 submissions from 2 submitters: Likely benign (2). Last evaluated 2026-09-09.

Conditions:
Nephronophthisis. Also called: Juvenile Nephronophthisis. Identifiers: Orphanet 655, MedGen C0687120, MONDO:0019005, HP:0000090.
NPHP4-related disorder. Also called: NPHP4-related condition; NPHP4-related disorders. Identifiers: MedGen CN239384.

Allele frequency attached by ClinVar (database versions not stated): gnomAD exomes 0.00001; TOPMed 0.00001; gnomAD 0.00003.
gnomAD v4.1: 13 of 1,613,512 alleles (0.00081%); highest among the groups gnomAD compares: African/African-American, 0.0013%; no homozygotes.

Submissions (2):

PreventionGenetics, part of Exact Sciences
Classification: Likely benign for NPHP4-related condition. Last evaluated: 2026-09-09. Review status: criteria provided, single submitter. Criteria: ACMG Guidelines, 2015. Collection method: clinical testing. Allele origin: germline.
Comment: This variant is classified as likely benign based on ACMG/AMP sequence variant interpretation guidelines (Richards et al. 2015 PMID: 25741868, with internal and published modifications).

Labcorp Genetics (formerly Invitae), Labcorp
Classification: Likely benign for Nephronophthisis. Last evaluated: 2023-06-07. Review status: criteria provided, single submitter. Criteria: Invitae Variant Classification Sherloc (09022015). Collection method: clinical testing. Allele origin: germline.